The following is an entry in ClinVar:

ClinVar aggregate classification (germline): Likely benign (0 of 4 stars; one submission).

Conditions:
MBD1-related disorder. Also called: MBD1-related condition.

Allele frequency attached by ClinVar (database versions not stated): ExAC 0.00003; TOPMed 0.00015; 1000 Genomes Project 30x 0.00016; 1000 Genomes Project 0.00020; gnomAD exomes 0.00003; gnomAD 0.00012.
gnomAD v4.1: 66 of 1,614,082 alleles (0.0041%); highest among the groups gnomAD compares: Admixed American, 0.067%; no homozygotes.

Submission:

PreventionGenetics, part of Exact Sciences
Classification: Likely benign for MBD1-related condition. Last evaluated: 2019-06-12. Review status: no assertion criteria provided. Collection method: clinical testing. Allele origin: germline.
Comment: This variant is classified as likely benign based on ACMG/AMP sequence variant interpretation guidelines (Richards et al. 2015 PMID: 25741868, with internal and published modifications).

NM_015846.4(MBD1):c.861G>A (p.Gln287=)

Gene: MBD1 (methyl-CpG binding domain protein 1; minus strand). Cytogenetic location: 18q21.1.
Variant type: single nucleotide variant.
Coding change: c.861G>A on transcript NM_015846.4 (MANE Select); coding-DNA position 861, G replaced by A.
Protein change: p.Gln287=; no amino-acid change (glutamine 287 retained).
Molecular consequence: synonymous variant.
Genome position (GRCh38, 1-based): chr18:50,275,177, C>T on the plus strand (G>A on the coding strand, the complement: MBD1 is on the minus strand). VCF-style: chr18-50275177-C-T. GRCh37 (hg19) VCF-style: chr18-47801547-C-T.
Other names: c.861G>A, p.Gln287= (NM_001204136.2, NM_001204139.2, NM_001204142.2 and 70 more transcripts); c.936G>A, p.Gln312= (NM_001204137.2, NM_001204138.2, NM_001204140.2 and 41 more transcripts); c.714G>A, p.Gln238= (NM_001204141.2, NM_001399938.1, NM_001399944.1 and 2 more transcripts); c.429G>A, p.Gln143= (NM_001323949.2, NM_001399959.1, NM_001399965.1); c.786G>A, p.Gln262= (NM_001323952.2, NM_001399887.1, NM_001399909.1 and 2 more transcripts); c.354G>A, p.Gln118= (NM_001323953.2, NM_001399962.1, NM_001399966.1 and 8 more transcripts); c.1014G>A, p.Gln338= (NM_001399880.1); c.939G>A, p.Gln313= (NM_001399916.1); and 1 more.
Identifiers: ClinVar variation 3033289 (VCV003033289.2), dbSNP rs553624821, ClinGen allele CA8962981.